The following is an entry in ClinVar:

ClinVar aggregate classification (germline): Uncertain significance (0 of 4 stars; one submission).

Conditions:
PCSK1-related disorder. Also called: PCSK1-related condition.

Submission:

PreventionGenetics, part of Exact Sciences
Classification: Uncertain significance for PCSK1-related condition. Last evaluated: 2024-02-15. Review status: no assertion criteria provided. Collection method: clinical testing. Allele origin: germline.
Comment: The PCSK1 c.30delC variant is predicted to result in a frameshift and premature protein termination (p.Phe11Serfs*39). This variant is not predicted to alter the coding sequence or splicing of the primary PCSK1 transcript (NM_000439). However, this variant is predicted to introduce a frameshift (NM_001177875.1:c.30delC, p.Phe11Serfs*39) in an alternate transcript with low-levels of expression based on RNA-sequencing data (see) To our knowledge, this variant has not been reported in the literature or in a large population database, indicating this variant is rare. No other pathogenic variants have been reported in this alternatively-spliced exon. Taken together, at this time, the clinical significance of this variant is uncertain due to the absence of conclusive functional and genetic evidence.

NM_000439.5(PCSK1):c.180+771del

Genes: CAST (calpastatin; plus strand), PCSK1 (proprotein convertase subtilisin/kexin type 1; minus strand), LOC101929710 (uncharacterized LOC101929710; plus strand). Cytogenetic location: 5q15.
Variant type: Deletion.
Coding change: c.180+771del on transcript NM_000439.5 (MANE Select); 771 bases into the intron after coding-DNA position 180, one base deleted (C; older notation c.180+771delC).
Molecular consequence: intron variant. On other transcripts: frameshift variant (1).
Genome position (GRCh38, 1-based): chr5:96,432,092, G deleted on the plus strand (C on the coding strand, the reverse complement: PCSK1 is on the minus strand). VCF-style (leftmost placement, unchanged base first): chr5-96432091-AG-A. GRCh37 (hg19) VCF-style: chr5-95767795-AG-A.
Other names: c.-175+52440del (NM_001423260.1, NM_001423254.1, NM_001423259.1 and 6 more transcripts); c.30del, p.Phe11fs (NM_001177875.2); c.-103+52440del (NM_001423253.1); c.-40+52440del (NM_001423258.1); short protein forms F11fs.
Identifiers: ClinVar variation 2630440 (VCV002630440.3), dbSNP rs2531607187, ClinGen allele CA2695198710.
Genomic context (GRCh38, chr5:96,432,091, plus strand): 5'-TCACTTGGACAGGCAACAATAAGCTGAAATTCCCGGGAAAACGATTACGTACTTGGCTGA[AG>A]AACAAGAAAGAAATAGATCCCTTCCCCATAGTCAGTTCGGCATCTCGACCCTGCAGTGGG-3'